The following is an entry in ClinVar:

NM_000767.5(CYP2B6):c.1323C>T (p.Ile441=)

Gene: CYP2B6 (cytochrome P450 family 2 subfamily B member 6; plus strand). Cytogenetic location: 19q13.2.
Variant type: single nucleotide variant.
Coding change: c.1323C>T on transcript NM_000767.5 (MANE Select); coding-DNA position 1323, C replaced by T.
Protein change: p.Ile441=; no amino-acid change (isoleucine 441 retained).
Molecular consequence: synonymous variant.
Genome position (GRCh38, 1-based): chr19:41,016,674, C>T. VCF-style: chr19-41016674-C-T. GRCh37 (hg19) VCF-style: chr19-41522579-C-T.
Identifiers: ClinVar variation 3052801 (VCV003052801.2), dbSNP rs143488417, ClinGen allele CA9455576.

ClinVar aggregate classification (germline): Likely benign (0 of 4 stars; one submission).

Conditions:
CYP2B6-related disorder. Also called: CYP2B6-related condition.

Allele frequency attached by ClinVar (database versions not stated): gnomAD exomes 0.00010; ExAC 0.00028; 1000 Genomes Project 30x 0.00031; gnomAD 0.00037; 1000 Genomes Project 0.00040; TOPMed 0.00044; ESP Exome Variant Server 0.00054.
gnomAD v4.1: 210 of 1,614,188 alleles (0.013%); highest among the groups gnomAD compares: African/African-American, 0.11%; 1 homozygote.

Submission:

PreventionGenetics, part of Exact Sciences
Classification: Likely benign for CYP2B6-related condition. Last evaluated: 2019-12-24. Review status: no assertion criteria provided. Collection method: clinical testing. Allele origin: germline.
Comment: This variant is classified as likely benign based on ACMG/AMP sequence variant interpretation guidelines (Richards et al. 2015 PMID: 25741868, with internal and published modifications).